The following is an entry in ClinVar:

NM_152564.5(VPS13B):c.7880A>C (p.Asn2627Thr)

Gene: VPS13B (vacuolar protein sorting 13 homolog B; plus strand). Cytogenetic location: 8q22.2.
Variant type: single nucleotide variant.
Coding change: c.7880A>C on transcript NM_152564.5 (MANE Select); coding-DNA position 7880, A replaced by C.
Protein change: p.Asn2627Thr; replaces asparagine 2627 with threonine.
Molecular consequence: missense variant.
Genome position (GRCh38, 1-based): chr8:99,784,415, A>C. VCF-style: chr8-99784415-A-C. GRCh37 (hg19) VCF-style: chr8-100796643-A-C.
Other names: c.7955A>C, p.Asn2652Thr (NM_017890.5); short protein forms N2627T, N2652T.
Identifiers: ClinVar variation 361074 (VCV000361074.8), dbSNP rs886062544, ClinGen allele CA10631860.

ClinVar aggregate classification (germline): Uncertain significance. Review status: criteria provided, multiple submitters, no conflicts (2 of 4 stars). 3 submissions from 3 submitters: Uncertain significance (2). 1 of the submissions does not count toward it. Last evaluated 2018-01-13.

Conditions:
Cohen syndrome (COH1). Also called: PEPPER SYNDROME; Cutis verticis gyrata, retinitis pigmentosa, and sensorineural deafness. Identifiers: Orphanet 193, MedGen C0265223, MONDO:0008999, OMIM 216550.

Allele frequency attached by ClinVar (database versions not stated): gnomAD exomes 0.00001.
gnomAD v4.1: 18 of 1,613,760 alleles (0.0011%); highest among the groups gnomAD compares: Non-Finnish European, 0.0014%; no homozygotes.

Submissions (3):

Illumina Laboratory Services, Illumina
Classification: Uncertain significance for Cohen syndrome. Last evaluated: 2018-01-13. Review status: criteria provided, single submitter. Criteria: ICSL Variant Classification Criteria 13 December 2019. Collection method: clinical testing. Allele origin: germline.

Labcorp Genetics (formerly Invitae), Labcorp
Classification: Uncertain significance for Cohen syndrome. Last evaluated: 2017-12-21. Review status: criteria provided, single submitter. Criteria: Invitae Variant Classification Sherloc (09022015). Collection method: clinical testing. Allele origin: germline.
Comment: This sequence change replaces asparagine with threonine at codon 2652 of the VPS13B protein (p.Asn2652Thr). The asparagine residue is moderately conserved and there is a small physicochemical difference between asparagine and threonine. This variant is not present in population databases (ExAC no frequency). This variant has not been reported in the literature in individuals with VPS13B-related disease. ClinVar contains an entry for this variant (Variation ID: 361074). Algorithms developed to predict the effect of missense changes on protein structure and function do not agree on the potential impact of this missense change (SIFT: "Tolerated"; PolyPhen-2: "Possibly Damaging"; Align-GVGD: "Class C0"). In summary, the available evidence is currently insufficient to determine the role of this variant in disease. Therefore, it has been classified as a Variant of Uncertain Significance.

Natera, Inc.
Classification: Uncertain significance for Cohen syndrome. Last evaluated: 2020-08-06. Review status: no assertion criteria provided. Collection method: clinical testing. Allele origin: germline. Not counted in ClinVar's aggregate classification.